The following is an entry in ClinVar:

NM_001399.5(EDA):c.866G>A (p.Arg289His)

Gene: EDA (ectodysplasin A; plus strand). Cytogenetic location: Xq13.1.
Variant type: single nucleotide variant.
Coding change: c.866G>A on transcript NM_001399.5 (MANE Select); coding-DNA position 866, G replaced by A.
Protein change: p.Arg289His; replaces arginine 289 with histidine.
Molecular consequence: missense variant.
Genome position (GRCh38, 1-based): chrX:70,033,470, G>A. VCF-style: chrX-70033470-G-A. GRCh37 (hg19) VCF-style: chrX-69253320-G-A.
Other names: c.866G>A, p.Arg289His (NM_001005609.2); c.857G>A, p.Arg286His (NM_001005612.3); short protein forms R289H, R286H.
Identifiers: ClinVar variation 228257 (VCV000228257.41), dbSNP rs876657641, ClinGen allele CA10577177.

ClinVar aggregate classification (germline): Pathogenic/Likely pathogenic. Review status: criteria provided, multiple submitters, no conflicts (2 of 4 stars). 7 submissions from 7 submitters: Pathogenic (6); Likely pathogenic (1). Last evaluated 2025-10-02.

Conditions:
Hypodontia. Also called: Partial congenital absence of teeth; Tooth agenesis, selective. Identifiers: Orphanet 99798, MedGen C0020608, MONDO:0005486, HP:0000668. Disease mechanism: loss of function.
Hypohidrotic X-linked ectodermal dysplasia (XHED). Also called: Ectodermal Dysplasia 1, Anhidrotic; Anhidrotic ectodermal dysplasia X-linked; Christ Siemens Touraine syndrome; ECTODERMAL DYSPLASIA 1, HYPOHIDROTIC, X-LINKED; ECTODERMAL DYSPLASIA 1, HYPOHIDROTIC/HAIR/TOOTH TYPE, X-LINKED; Christ-Siemans-Touraine syndrome. Identifiers: Orphanet 181, Orphanet 238468, MedGen C0162359, MONDO:0010585, OMIM 305100.
Tooth agenesis, selective, X-linked, 1 (STHAGX1). Also called: HYPODONTIA/OLIGODONTIA, X-LINKED, 1. Identifiers: Orphanet 99798, MedGen C1970757, MONDO:0010741, OMIM 313500. Disease mechanism: loss of function.
Anhidrotic ectodermal dysplasia. Identifiers: MedGen C1706004, HP:0007476.
Ectodermal dysplasia. Also called: Ectodermal dysplasia syndrome. Identifiers: Orphanet 79373, MedGen C0013575, MONDO:0019287, HP:0000968.

Allele frequency attached by ClinVar (database versions not stated): TOPMed below 0.00001; gnomAD 0.00001; gnomAD exomes 0.00001.
gnomAD v4.1: 11 of 1,211,652 alleles (0.00091%); highest among the groups gnomAD compares: Non-Finnish European, 0.0012%; no homozygotes.

Submissions (7):

Victorian Clinical Genetics Services, Murdoch Childrens Research Institute
Classification: Pathogenic for Hypohidrotic X-linked ectodermal dysplasia. Last evaluated: 2025-10-02. Review status: criteria provided, single submitter. Criteria: ACMG Guidelines, 2015. Collection method: clinical testing. Allele origin: germline.
Comment: This variant is classified as Pathogenic. Evidence in support of pathogenic classification: Variant is present in gnomAD <0.01 (v4: 6 heterozygote(s), 0 homozygote(s), 5 hemizygote(s)); This variant has strong previous evidence of pathogenicity in unrelated individuals. This variant has been classified as pathogenic and likely pathogenic in ClinVar. It has also been reported in multiple unrelated hemizygous males and heterozygous females with HED or TA (PMID: 33205897, 36294409, 33943035, 26753551, 36939501). Additional information: Variant is predicted to result in a missense amino acid change from Arg to His; This variant is heterozygous; This gene is associated with both X-linked recessive and dominant disease. Female carriers of variants causing either condition may be unaffected or mildly affected, depending on skewed X-inactivation (PMID: 18510547, 16583127); Loss of function is a known mechanism of disease in this gene and is associated with X-linked ectodermal dysplasia 1, hypohidrotic (HED; MIM#305100) and X-linked dominant tooth agenesis, selective 1 (TA; MIM#313500).

Genetics Laboratory, Great Ormond Street Hospital NHS Foundation Trust, North Thames Genomic Laboratory Hub
Classification: Pathogenic for Ectodermal dysplasia. Last evaluated: 2025-08-06. Review status: criteria provided, single submitter. Criteria: ACGS Best Practice Guidelines for Variant Classification in Rare Disease 2024 v1.2. Collection method: clinical testing. Allele origin: germline. Affected: yes.
Comment: PS4_moderate, PM2_moderate, PP3_supporting, PM5_moderate, PM1_supporting, PP1_strong

CeGaT Center for Human Genetics Tuebingen
Classification: Pathogenic. Last evaluated: 2024-01-01. Review status: criteria provided, single submitter. Criteria: CeGaT Center For Human Genetics Tuebingen Variant Classification Criteria Version 2. Collection method: clinical testing. Allele origin: germline. Affected: yes. Observed: 1 variant allele.
Comment: EDA: PP1:Strong, PM1, PM2, PM5, PP3, PP4

Women's Health and Genetics/Laboratory Corporation of America, LabCorp
Classification: Pathogenic for Anhidrotic ectodermal dysplasia. Last evaluated: 2023-06-20. Review status: criteria provided, single submitter. Criteria: LabCorp Variant Classification Summary - May 2015. Collection method: clinical testing. Allele origin: germline.
Comment: Variant summary: EDA c.866G>A (p.Arg289His) results in a non-conservative amino acid change located in the Tumor necrosis factor domain (IPR006052) of the encoded protein sequence. Four of five in-silico tools predict a damaging effect of the variant on protein function. The variant was absent in 183333 control chromosomes in gnomAD. c.866G>A has been reported in the literature in multiple hemizygous individuals affected with features of Hypohidrotic Ectodermal Dysplasia (with dental anomalies being the main symptoms) and has been observed to co-segregate with disease within families (example: Ruiz-Heiland_2016, Andreoni_2021, Zhang _2021, Biedziak_2022). Some female carriers have been reported with mild features of tooth agenesis, while others were unaffected (example: Ruiz-Heiland_2016, Andreoni_2021, Zhang _2021). Additionally, at least one variant at the Arg289 residue has been reported as associated with disease (p.Arg289Cys), suggesting that this codon is functionally important. These data indicate that the variant is very likely to be associated with disease. To our knowledge, no experimental evidence demonstrating an impact on protein function has been reported. The following publications have been ascertained in the context of this evaluation (PMID: 33205897, 36294409, 26753551, 33943035). Three submitters have cited clinical-significance assessments for this variant to ClinVar after 2014 and all submitters classified the variant as pathogenic/likely pathogenic. Based on the evidence outlined above, the variant was classified as pathogenic.

Labcorp Genetics (formerly Invitae), Labcorp
Classification: Pathogenic for Hypohidrotic X-linked ectodermal dysplasia. Last evaluated: 2023-06-09. Review status: criteria provided, single submitter. Criteria: Invitae Variant Classification Sherloc (09022015). Collection method: clinical testing. Allele origin: germline.
Comment: Advanced modeling of protein sequence and biophysical properties (such as structural, functional, and spatial information, amino acid conservation, physicochemical variation, residue mobility, and thermodynamic stability) performed at Invitae indicates that this missense variant is expected to disrupt EDA protein function. For these reasons, this variant has been classified as Pathogenic. This variant disrupts the p.Arg289 amino acid residue in EDA. Other variant(s) that disrupt this residue have been determined to be pathogenic (PMID: 19278982, 24487376, 27144394). This suggests that this residue is clinically significant, and that variants that disrupt this residue are likely to be disease-causing. ClinVar contains an entry for this variant (Variation ID: 228257). This missense change has been observed in individual(s) with ectodermal dysplasia (PMID: 26753551; Invitae). It has also been observed to segregate with disease in related individuals. This variant is not present in population databases (gnomAD no frequency). This sequence change replaces arginine, which is basic and polar, with histidine, which is basic and polar, at codon 289 of the EDA protein (p.Arg289His).

Biotechnology Lab, Dept of Biomolecular Sciences, University of Urbino
Classification: Pathogenic for Hypohidrotic X-linked ectodermal dysplasia; Tooth agenesis, selective, X-linked, 1. Last evaluated: 2020-06-01. Review status: criteria provided, single submitter. Criteria: ACMG Guidelines, 2015. Collection method: clinical testing. Allele origin: germline. Inheritance: X-linked inheritance. Affected: yes. Observed: 1 hemizygote.
Comment: The Arg289His variant in EDA has been reported in one Italian family with X-linked dominant tooth agenesis, segregated with the disease in affected relatives (present study), and was absent from large population studies. Additionally, the same variant causes X-linked recessive hypohidrotic ectodermal dysplasia in hemizygous males within the same family. Furthermore, this variant has been described to segregate with non-syndromic oligodontia and ectodermal dysplasia in families (PMID: 26753551, Invitae). Two other missense variants affecting the same amino acidic residue Arg289 (c.865C>T p.Arg289Cys, c.866G>T p.Arg289Leu), but causing different amino acid substitutions, has been reported to be pathogenic and associated to non-syndromic oligodontia (PMID: 19278982, 24487376). In summary, the Arg289His variant meets our criteria to be classified as pathogenic.

Laboratory for Molecular Medicine, Mass General Brigham Personalized Medicine
Classification: Likely pathogenic for Partial congenital absence of teeth. Last evaluated: 2015-10-11. Review status: criteria provided, single submitter. Criteria: LMM Criteria. Collection method: clinical testing. Allele origin: germline. Observed: 1 variant allele.
Comment: The p.Arg289His variant in EDA has been reported in one individual with non-synd romic oligodontia and segregated with disease in one sibling (Heiland 2014, conf erence abstract). The variant was absent from large population studies. Computat ional prediction tools and conservation analysis suggest that the p.Arg289His va riant may impact the protein. In additon, two other missense variants at the sam e amino acid position (p.Arg289Cys, p.Arg289Leu) have been reported in individua ls with non-syndromic oligodontia (Song 2009, Lee 2014), suggesting that variati on at this position is not tolerated. In summary, although additional studies ar e required to fully establish its clinical significance, the p.Arg289His variant is likely pathogenic.

Literature cited by the submitters: PubMed 33943035 (cited by Victorian Clinical Genetics Services, Murdoch Childrens Research Institute and Women's Health and Genetics/Laboratory Corporation of America, LabCorp); PubMed 36939501 (cited by Victorian Clinical Genetics Services, Murdoch Childrens Research Institute); PubMed 16583127 (cited by Victorian Clinical Genetics Services, Murdoch Childrens Research Institute); PubMed 26753551 (cited by 4 submitters); PubMed 36294409 (cited by Victorian Clinical Genetics Services, Murdoch Childrens Research Institute and Women's Health and Genetics/Laboratory Corporation of America, LabCorp); PubMed 33205897 (cited by Victorian Clinical Genetics Services, Murdoch Childrens Research Institute and Women's Health and Genetics/Laboratory Corporation of America, LabCorp); PubMed 18510547 (cited by Victorian Clinical Genetics Services, Murdoch Childrens Research Institute); PubMed 19278982 (cited by Labcorp Genetics (formerly Invitae), Labcorp and Laboratory for Molecular Medicine, Mass General Brigham Personalized Medicine); PubMed 24487376 (cited by Labcorp Genetics (formerly Invitae), Labcorp and Laboratory for Molecular Medicine, Mass General Brigham Personalized Medicine); PubMed 27144394 (cited by Labcorp Genetics (formerly Invitae), Labcorp).